The following is an entry in ClinVar:

NM_000051.4(ATM):c.2254C>G (p.Leu752Val)

Gene: ATM (ATM serine/threonine kinase; plus strand). Cytogenetic location: 11q22.3.
Variant type: single nucleotide variant.
Coding change: c.2254C>G on transcript NM_000051.4 (MANE Select); coding-DNA position 2254, C replaced by G.
Protein change: p.Leu752Val; replaces leucine 752 with valine.
Molecular consequence: missense variant.
Genome position (GRCh38, 1-based): chr11:108,257,484, C>G. VCF-style: chr11-108257484-C-G. GRCh37 (hg19) VCF-style: chr11-108128211-C-G.
Other names: c.2254C>G, p.Leu752Val (NM_001351834.2); short protein forms L752V.
Identifiers: ClinVar variation 185861 (VCV000185861.21), dbSNP rs756522395, ClinGen allele CA193182.

ClinVar aggregate classification (germline): Uncertain significance. Review status: criteria provided, multiple submitters, no conflicts (2 of 4 stars). 6 submissions from 6 submitters: Uncertain significance (5). 1 of the submissions does not count toward it. Last evaluated 2025-12-18.

Conditions:
Hereditary cancer-predisposing syndrome. Also called: Hereditary Cancer Syndrome; Neoplastic Syndromes, Hereditary; Tumor predisposition; Hereditary neoplastic syndrome. Identifiers: Orphanet 140162, MedGen C0027672, MeSH D009386, MONDO:0015356.
Familial cancer of breast. Also called: BREAST CANCER, FAMILIAL; Hereditary breast cancer; hereditary breast carcinoma. Identifiers: Orphanet 227535, MedGen C0346153, MONDO:0016419, OMIM 114480. Disease mechanism: loss of function.
Ataxia-telangiectasia syndrome (AT). Also called: Ataxia-telangiectasia, complementation group D; AT, COMPLEMENTATION GROUP C; ATAXIA-TELANGIECTASIA, COMPLEMENTATION GROUP A; ATAXIA-TELANGIECTASIA, FRESNO VARIANT; Ataxia-telangiectasia; LOUIS-BAR SYNDROME. Identifiers: Orphanet 100, MedGen C0004135, MONDO:0008840, OMIM 208900.

Allele frequency attached by ClinVar (database versions not stated): ExAC 0.00001; TOPMed 0.00001.
gnomAD v4.1: 4 of 1,612,948 alleles (0.00025%); highest among the groups gnomAD compares: Non-Finnish European, 0.00034%; no homozygotes.

Submissions (6):

Labcorp Genetics (formerly Invitae), Labcorp
Classification: Uncertain significance for Ataxia-telangiectasia syndrome. Last evaluated: 2025-12-18. Review status: criteria provided, single submitter. Criteria: Invitae Variant Classification Sherloc (09022015). Collection method: clinical testing. Allele origin: germline.
Comment: This sequence change replaces leucine, which is neutral and non-polar, with valine, which is neutral and non-polar, at codon 752 of the ATM protein (p.Leu752Val). This variant is not present in population databases (gnomAD no frequency). This missense change has been observed in individual(s) with breast cancer (PMID: 19404735, 35264596). ClinVar contains an entry for this variant (Variation ID: 185861). Invitae Evidence Modeling of protein sequence and biophysical properties (such as structural, functional, and spatial information, amino acid conservation, physicochemical variation, residue mobility, and thermodynamic stability) indicates that this missense variant is not expected to disrupt ATM protein function with a negative predictive value of 95%. RNA analysis performed to evaluate the impact of this missense change on mRNA splicing indicates it does not significantly alter splicing (internal data). In summary, the available evidence is currently insufficient to determine the role of this variant in disease. Therefore, it has been classified as a Variant of Uncertain Significance.

Color Diagnostics, LLC DBA Color Health
Classification: Uncertain significance for Hereditary cancer-predisposing syndrome. Last evaluated: 2025-05-21. Review status: criteria provided, single submitter. Criteria: ACMG Guidelines, 2015. Collection method: clinical testing. Allele origin: germline.
Comment: This missense variant replaces leucine with valine at codon 752 of the ATM protein. Computational prediction suggests that this variant may not impact protein structure and function To our knowledge, functional studies have not been reported for this variant. This variant has been reported in individuals affected with breast cancer (PMID: 19404735, 35264596). This variant has not been identified in the general population by the Genome Aggregation Database (gnomAD). The available evidence is insufficient to determine the role of this variant in disease conclusively. Therefore, this variant is classified as a Variant of Uncertain Significance.

Baylor Genetics
Classification: Uncertain significance for Familial cancer of breast. Last evaluated: 2023-07-28. Review status: criteria provided, single submitter. Criteria: ACMG Guidelines, 2015. Collection method: clinical testing. Allele origin: unknown.

Ambry Genetics
Classification: Uncertain significance for Hereditary cancer-predisposing syndrome. Last evaluated: 2023-05-25. Review status: criteria provided, single submitter. Criteria: Ambry Variant Classification Scheme 2023. Collection method: clinical testing. Allele origin: germline.
Comment: The p.L752V variant (also known as c.2254C>G), located in coding exon 14 of the ATM gene, results from a C to G substitution at nucleotide position 2254. The leucine at codon 752 is replaced by valine, an amino acid with highly similar properties. The variant has been reported in 1/122 BRCA1/BRCA2 wild-type breast cancer patients diagnosed under age 36 with a family history of breast cancer and hematological malignancy (Paglia LL et al. Breast Cancer Res Treat, 2010 Jan;119:443-52). This amino acid position is highly conserved in available vertebrate species. In addition, the in silico prediction for this alteration is inconclusive. Since supporting evidence is limited at this time, the clinical significance of this alteration remains unclear.

Mendelics
Classification: Uncertain significance for Ataxia-telangiectasia syndrome. Last evaluated: 2018-07-02. Review status: criteria provided, single submitter. Criteria: Mendelics Assertion Criteria 2017. Collection method: clinical testing. Allele origin: unknown.

Natera, Inc.
Classification: Uncertain significance for Ataxia-telangiectasia. Last evaluated: 2020-09-16. Review status: no assertion criteria provided. Collection method: clinical testing. Allele origin: germline. Not counted in ClinVar's aggregate classification.

Literature cited by the submitters: PubMed 19404735 (cited by 3 submitters); PubMed 35264596 (cited by Labcorp Genetics (formerly Invitae), Labcorp and Color Diagnostics, LLC DBA Color Health).